The following is an entry in ClinVar:

NM_152703.5(SAMD9L):c.1415A>C (p.Gln472Pro)

Gene: SAMD9L (sterile alpha motif domain containing 9 like; minus strand). Cytogenetic location: 7q21.2.
Variant type: single nucleotide variant.
Coding change: c.1415A>C on transcript NM_152703.5 (MANE Select); coding-DNA position 1415, A replaced by C.
Protein change: p.Gln472Pro; replaces glutamine 472 with proline.
Molecular consequence: missense variant.
Genome position (GRCh38, 1-based): chr7:93,134,557, T>G on the plus strand (A>C on the coding strand, the complement: SAMD9L is on the minus strand). VCF-style: chr7-93134557-T-G. GRCh37 (hg19) VCF-style: chr7-92763870-T-G.
Other names: c.1415A>C, p.Gln472Pro (NM_001303496.3, NM_001303497.3, NM_001303498.3 and 5 more transcripts); c.1415A>C (NM_152703.3, NM_152703.2); short protein forms Q472P.
Identifiers: ClinVar variation 2074322 (VCV002074322.6), dbSNP rs1295977057, ClinGen allele CA368196753.

ClinVar aggregate classification (germline): Uncertain significance. Review status: criteria provided, multiple submitters, no conflicts (2 of 4 stars). 4 submissions from 4 submitters: Uncertain significance (3). 1 of the submissions does not count toward it. Last evaluated 2025-02-04.

Conditions:
SAMD9L-related disorder. Also called: SAMD9L-related condition; SAMD9L-related disorders.
Inborn genetic diseases. Identifiers: MedGen C0950123, MeSH D030342.

Allele frequency attached by ClinVar (database versions not stated): gnomAD 0.00001; gnomAD exomes 0.00001; TOPMed 0.00002.
gnomAD v4.1: 12 of 1,613,856 alleles (0.00074%); highest among the groups gnomAD compares: African/African-American, 0.0013%; no homozygotes.

Submissions (4):

Labcorp Genetics (formerly Invitae), Labcorp
Classification: Uncertain significance. Last evaluated: 2025-02-04. Review status: criteria provided, single submitter. Criteria: Invitae Variant Classification Sherloc (09022015). Collection method: clinical testing. Allele origin: germline.
Comment: This sequence change replaces glutamine, which is neutral and polar, with proline, which is neutral and non-polar, at codon 472 of the SAMD9L protein (p.Gln472Pro). This variant is present in population databases (no rsID available, gnomAD 0.007%). This variant has not been reported in the literature in individuals affected with SAMD9L-related conditions. ClinVar contains an entry for this variant (Variation ID: 2074322). Invitae Evidence Modeling of protein sequence and biophysical properties (such as structural, functional, and spatial information, amino acid conservation, physicochemical variation, residue mobility, and thermodynamic stability) indicates that this missense variant is expected to disrupt SAMD9L protein function with a positive predictive value of 80%. In summary, the available evidence is currently insufficient to determine the role of this variant in disease. Therefore, it has been classified as a Variant of Uncertain Significance.

Ambry Genetics
Classification: Uncertain significance for Inborn genetic diseases. Last evaluated: 2024-10-17. Review status: criteria provided, single submitter. Criteria: Ambry Variant Classification Scheme 2023. Collection method: clinical testing. Allele origin: germline.
Comment: The p.Q472P variant (also known as c.1415A>C), located in coding exon 1 of the SAMD9L gene, results from an A to C substitution at nucleotide position 1415. The glutamine at codon 472 is replaced by proline, an amino acid with similar properties. This amino acid position is conserved. In addition, this alteration is predicted to be tolerated by in silico analysis. Based on the available evidence, the clinical significance of this variant remains unclear.

GeneDx
Classification: Uncertain significance. Last evaluated: 2023-05-22. Review status: criteria provided, single submitter. Criteria: GeneDx Variant Classification Process June 2021. Collection method: clinical testing. Allele origin: germline. Affected: yes.
Comment: Not observed at significant frequency in large population cohorts (gnomAD); In silico analysis supports that this missense variant does not alter protein structure/function; Has not been previously published as pathogenic or benign to our knowledge

PreventionGenetics, part of Exact Sciences
Classification: Uncertain significance for SAMD9L-related condition. Last evaluated: 2024-05-29. Review status: no assertion criteria provided. Collection method: clinical testing. Allele origin: germline. Not counted in ClinVar's aggregate classification.
Comment: The SAMD9L c.1415A>C variant is predicted to result in the amino acid substitution p.Gln472Pro. To our knowledge, this variant has not been reported in the literature. This variant is reported in 0.0065% of alleles in individuals of European (Non-Finnish) descent in gnomAD. At this time, the clinical significance of this variant is uncertain due to the absence of conclusive functional and genetic evidence.